The following is an entry in ClinVar:

ClinVar aggregate classification (germline): Likely benign. Review status: criteria provided, multiple submitters, no conflicts (2 of 4 stars). 2 submissions from 2 submitters: Likely benign (2). Last evaluated 2025-11-25.

Conditions:
Ornithine carbamoyltransferase deficiency (OTCD). Also called: ORNITHINE TRANSCARBAMYLASE DEFICIENCY, HYPERAMMONEMIA DUE TO; OTC DEFICIENCY; ORNITHINE TRANSCARBAMYLASE DEFICIENCY; Ornithine Carbamoyltransferase Deficiency Disease. Identifiers: Orphanet 664, MedGen C0268542, MONDO:0010703, OMIM 311250.

Allele frequency attached by ClinVar (database versions not stated): gnomAD exomes 0.00002; TOPMed 0.00002; ESP Exome Variant Server 0.00009.
gnomAD v4.1: 25 of 1,155,075 alleles (0.0022%); highest among the groups gnomAD compares: Non-Finnish European, 0.0022%; no homozygotes.

Submissions (2):

Labcorp Genetics (formerly Invitae), Labcorp
Classification: Likely benign for Ornithine carbamoyltransferase deficiency. Last evaluated: 2025-11-25. Review status: criteria provided, single submitter. Criteria: Invitae Variant Classification Sherloc (09022015). Collection method: clinical testing. Allele origin: germline.

All of Us Research Program, National Institutes of Health
Classification: Likely benign for Ornithine carbamoyltransferase deficiency. Last evaluated: 2024-08-23. Review status: criteria provided, single submitter. Criteria: ACMG Guidelines, 2015. Collection method: clinical testing. Allele origin: germline. Inheritance: X-linked inheritance. Observed: 1 variant allele, 1 heterozygote.
Comment: This study involves interpretation of variants in research participants for the purpose of population health screening. Participant phenotype was not available at the time of variant classification. Additional details can be found in publication PMID: 35346344, PMCID: PMC8962531

NM_000531.6(OTC):c.299-5T>C

Gene: OTC (ornithine transcarbamylase; plus strand). Cytogenetic location: Xp11.4.
Variant type: single nucleotide variant.
Coding change: c.299-5T>C on transcript NM_000531.6 (MANE Select); 5 bases into the intron before coding-DNA position 299, T replaced by C.
Molecular consequence: intron variant.
Genome position (GRCh38, 1-based): chrX:38,381,337, T>C. VCF-style: chrX-38381337-T-C. GRCh37 (hg19) VCF-style: chrX-38240590-T-C.
Identifiers: ClinVar variation 794330 (VCV000794330.12), dbSNP rs377576551, ClinGen allele CA10385837.